The following is an entry in ClinVar:

NM_016169.4(SUFU):c.1091G>A (p.Arg364Gln)

Gene: SUFU (SUFU negative regulator of hedgehog signaling; plus strand). Cytogenetic location: 10q24.32.
Variant type: single nucleotide variant.
Coding change: c.1091G>A on transcript NM_016169.4 (MANE Select); coding-DNA position 1091, G replaced by A.
Protein change: p.Arg364Gln; replaces arginine 364 with glutamine.
Molecular consequence: missense variant.
Genome position (GRCh38, 1-based): chr10:102,615,336, G>A. VCF-style: chr10-102615336-G-A. GRCh37 (hg19) VCF-style: chr10-104375093-G-A.
Other names: c.1091G>A, p.Arg364Gln (NM_001178133.2); short protein forms R364Q.
Identifiers: ClinVar variation 583037 (VCV000583037.12), dbSNP rs749802616, ClinGen allele CA5667868.

ClinVar aggregate classification (germline): Uncertain significance. Review status: criteria provided, multiple submitters, no conflicts (2 of 4 stars). 2 submissions from 2 submitters: Uncertain significance (2). Last evaluated 2025-08-05.

Conditions:
Gorlin syndrome. Also called: Basal cell nevus syndrome; Nevoid Basal Cell Carcinoma Syndrome. Identifiers: Orphanet 377, MedGen C0004779, MONDO:0007187.
Medulloblastoma (MDB). Also called: Medulloblastoma, somatic; MEDULLOBLASTOMA PREDISPOSITION SYNDROME. Identifiers: Orphanet 616, MedGen C0025149, MeSH D008527, MONDO:0007959, OMIM 155255, HP:0002885.
Hereditary cancer-predisposing syndrome. Also called: Neoplastic Syndromes, Hereditary; Hereditary Cancer Syndrome; Tumor predisposition; Hereditary neoplastic syndrome. Identifiers: Orphanet 140162, MedGen C0027672, MeSH D009386, MONDO:0015356.

Allele frequency attached by ClinVar (database versions not stated): gnomAD exomes below 0.00001; ExAC 0.00001; gnomAD 0.00001.
gnomAD v4.1: 6 of 1,614,000 alleles (0.00037%); highest among the groups gnomAD compares: East Asian, 0.0022%; no homozygotes.

Submissions (2):

Labcorp Genetics (formerly Invitae), Labcorp
Classification: Uncertain significance for Gorlin syndrome; Medulloblastoma. Last evaluated: 2025-08-05. Review status: criteria provided, single submitter. Criteria: Invitae Variant Classification Sherloc (09022015). Collection method: clinical testing. Allele origin: germline.
Comment: This sequence change replaces arginine, which is basic and polar, with glutamine, which is neutral and polar, at codon 364 of the SUFU protein (p.Arg364Gln). This variant is present in population databases (rs749802616, gnomAD 0.003%). This variant has not been reported in the literature in individuals affected with SUFU-related conditions. ClinVar contains an entry for this variant (Variation ID: 583037). Invitae Evidence Modeling of protein sequence and biophysical properties (such as structural, functional, and spatial information, amino acid conservation, physicochemical variation, residue mobility, and thermodynamic stability) indicates that this missense variant is not expected to disrupt SUFU protein function with a negative predictive value of 80%. In summary, the available evidence is currently insufficient to determine the role of this variant in disease. Therefore, it has been classified as a Variant of Uncertain Significance.

Ambry Genetics
Classification: Uncertain significance for Hereditary cancer-predisposing syndrome. Last evaluated: 2024-07-25. Review status: criteria provided, single submitter. Criteria: Ambry Variant Classification Scheme 2023. Collection method: clinical testing. Allele origin: germline.
Comment: The p.R364Q variant (also known as c.1091G>A), located in coding exon 9 of the SUFU gene, results from a G to A substitution at nucleotide position 1091. The arginine at codon 364 is replaced by glutamine, an amino acid with highly similar properties. This amino acid position is highly conserved in available vertebrate species. In addition, the in silico prediction for this alteration is inconclusive. Since supporting evidence is limited at this time, the clinical significance of this alteration remains unclear.

Literature cited by the submitters: PubMed 26677030 (cited by Ambry Genetics).